The following is an entry in ClinVar:

NM_001323289.2(CDKL5):c.99+9A>G

Gene: CDKL5 (cyclin dependent kinase like 5; plus strand). Cytogenetic location: Xp22.13.
Variant type: single nucleotide variant.
Coding change: c.99+9A>G on transcript NM_001323289.2 (MANE Select); 9 bases into the intron after coding-DNA position 99, A replaced by G.
Molecular consequence: intron variant.
Genome position (GRCh38, 1-based): chrX:18,510,863, A>G. VCF-style: chrX-18510863-A-G. GRCh37 (hg19) VCF-style: chrX-18528983-A-G.
Other names: c.99+9A>G (NM_003159.3, NM_001037343.2).
Identifiers: ClinVar variation 660635 (VCV000660635.9), dbSNP rs1602233003, ClinGen allele CA915950790.

ClinVar aggregate classification (germline): Uncertain significance (1 of 4 stars; one submission).

Conditions:
Angelman syndrome-like. Identifiers: MedGen CN128785.
Developmental and epileptic encephalopathy, 2 (DEE2). Also called: INFANTILE SPASM SYNDROME, X-LINKED 2; CDKL5 deficiency disorder. Identifiers: Orphanet 1934, Orphanet 3451, Orphanet 505652, MedGen C4750718, MONDO:0010396, OMIM 300672.

gnomAD v4.1: 1 of 1,143,833 alleles (0.000087%); highest among the groups gnomAD compares: Non-Finnish European, 0.00012%; no homozygotes.

Submission:

Labcorp Genetics (formerly Invitae), Labcorp
Classification: Uncertain significance for Developmental and epileptic encephalopathy, 2; Angelman syndrome-like. Last evaluated: 2020-06-07. Review status: criteria provided, single submitter. Criteria: Invitae Variant Classification Sherloc (09022015). Collection method: clinical testing. Allele origin: germline.
Comment: This sequence change falls in intron 3 of the CDKL5 gene. It does not directly change the encoded amino acid sequence of the CDKL5 protein. This variant is not present in population databases (ExAC no frequency). This variant has not been reported in the literature in individuals with CDKL5-related disease. Algorithms developed to predict the effect of sequence changes on RNA splicing suggest that this variant may create or strengthen a splice site, but this prediction has not been confirmed by published transcriptional studies. In summary, the available evidence is currently insufficient to determine the role of this variant in disease. Therefore, it has been classified as a Variant of Uncertain Significance.